The following is an entry in ClinVar:

NM_024577.4(SH3TC2):c.2258G>A (p.Arg753Gln)

Gene: SH3TC2 (SH3 domain and tetratricopeptide repeats 2; minus strand). Cytogenetic location: 5q32.
Variant type: single nucleotide variant.
Coding change: c.2258G>A on transcript NM_024577.4 (MANE Select); coding-DNA position 2258, G replaced by A.
Protein change: p.Arg753Gln; replaces arginine 753 with glutamine.
Molecular consequence: missense variant.
Genome position (GRCh38, 1-based): chr5:149,027,474, C>T on the plus strand (G>A on the coding strand, the complement: SH3TC2 is on the minus strand). VCF-style: chr5-149027474-C-T. GRCh37 (hg19) VCF-style: chr5-148407037-C-T.
Other names: short protein forms R753Q.
Identifiers: ClinVar variation 643171 (VCV000643171.20), dbSNP rs755570739, ClinGen allele CA3499036.

ClinVar aggregate classification (germline): Conflicting classifications of pathogenicity. Review status: criteria provided, conflicting classifications (1 of 4 stars). 4 submissions from 4 submitters: Uncertain significance (3); Likely benign (1). Last evaluated 2024-11-18.

Conditions:
Inborn genetic diseases. Identifiers: MedGen C0950123, MeSH D030342.
Charcot-Marie-Tooth disease type 4. Also called: Charcot-Marie-Tooth disease, type IV; Charcot-Marie-Tooth, Type 4. Identifiers: Orphanet 64749, MedGen C4082197, MONDO:0018995.

Allele frequency attached by ClinVar (database versions not stated): gnomAD 0.00002; ExAC 0.00006; gnomAD exomes 0.00006 and 0.00003; TOPMed 0.00002.
gnomAD v4.1: 41 of 1,614,024 alleles (0.0025%); highest among the groups gnomAD compares: Admixed American, 0.018%; no homozygotes.

Submissions (4):

Labcorp Genetics (formerly Invitae), Labcorp
Classification: Likely benign for Charcot-Marie-Tooth disease type 4. Last evaluated: 2024-11-18. Review status: criteria provided, single submitter. Criteria: Invitae Variant Classification Sherloc (09022015). Collection method: clinical testing. Allele origin: germline.

GeneDx
Classification: Uncertain significance. Last evaluated: 2024-09-10. Review status: criteria provided, single submitter. Criteria: GeneDx Variant Classification Process June 2021. Collection method: clinical testing. Allele origin: germline. Affected: yes.
Comment: In silico analysis indicates that this missense variant does not alter protein structure/function; Has not been previously published as pathogenic or benign to our knowledge

Ambry Genetics
Classification: Uncertain significance for Inborn genetic diseases. Last evaluated: 2023-06-05. Review status: criteria provided, single submitter. Criteria: Ambry Variant Classification Scheme 2023. Collection method: clinical testing. Allele origin: germline.

Mayo Clinic Laboratories, Mayo Clinic
Classification: Uncertain significance. Last evaluated: 2019-04-27. Review status: criteria provided, single submitter. Criteria: ACMG Guidelines, 2015. Collection method: clinical testing. Allele origin: germline. Observed: 1 variant allele.